The following is an entry in ClinVar:

NM_007186.6(CEP250):c.2099G>A (p.Arg700His)

Genes: CEP250 (centrosomal protein 250; plus strand), CEP250-AS1 (CEP250 antisense RNA 1; minus strand). Cytogenetic location: 20q11.22.
Variant type: single nucleotide variant.
Coding change: c.2099G>A on transcript NM_007186.6 (MANE Select); coding-DNA position 2099, G replaced by A.
Protein change: p.Arg700His; replaces arginine 700 with histidine.
Molecular consequence: missense variant.
Genome position (GRCh38, 1-based): chr20:35,479,235, G>A. VCF-style: chr20-35479235-G-A. GRCh37 (hg19) VCF-style: chr20-34067060-G-A.
Other names: c.203G>A, p.Arg68His (NM_001318219.1); c.2099G>A (NM_007186.3); short protein forms R68H, R700H.
Identifiers: ClinVar variation 1511054 (VCV001511054.4), dbSNP rs377363130, ClinGen allele CA9833105.

ClinVar aggregate classification (germline): Conflicting classifications of pathogenicity. Review status: criteria provided, conflicting classifications (1 of 4 stars). 2 submissions from 2 submitters: Uncertain significance (1); Likely benign (1). Last evaluated 2023-11-17.

Allele frequency attached by ClinVar (database versions not stated): gnomAD exomes 0.00002 and 0.00001; TOPMed 0.00002; ExAC 0.00002; gnomAD 0.00005; ESP Exome Variant Server 0.00008.

Submissions (2):

Ambry Genetics
Classification: Likely benign. Last evaluated: 2023-11-17. Review status: criteria provided, single submitter. Criteria: Ambry Variant Classification Scheme 2023. Collection method: clinical testing. Allele origin: germline.

Labcorp Genetics (formerly Invitae), Labcorp
Classification: Uncertain significance. Last evaluated: 2021-08-26. Review status: criteria provided, single submitter. Criteria: Invitae Variant Classification Sherloc (09022015). Collection method: clinical testing. Allele origin: germline.
Comment: This sequence change replaces arginine with histidine at codon 700 of the CEP250 protein (p.Arg700His). The arginine residue is weakly conserved and there is a small physicochemical difference between arginine and histidine. This variant is present in population databases (rs377363130, ExAC 0.02%). This variant has not been reported in the literature in individuals affected with CEP250-related conditions. Algorithms developed to predict the effect of missense changes on protein structure and function output the following: SIFT: "Not Available"; PolyPhen-2: "Benign"; Align-GVGD: "Not Available". The histidine amino acid residue is found in multiple mammalian species, which suggests that this missense change does not adversely affect protein function. In summary, the available evidence is currently insufficient to determine the role of this variant in disease. Therefore, it has been classified as a Variant of Uncertain Significance.